The following is an entry in ClinVar:

ClinVar aggregate classification (germline): Benign. Review status: criteria provided, multiple submitters, no conflicts (2 of 4 stars). 3 submissions from 3 submitters: Benign (2). 1 of the submissions does not count toward it. Last evaluated 2019-08-16.

Conditions:
PRR12-related disorder. Also called: PRR12-related condition.

Allele frequency attached by ClinVar (database versions not stated): 1000 Genomes Project 0.05411; TOPMed 0.05555; 1000 Genomes Project 30x 0.05637; ESP Exome Variant Server 0.05131; gnomAD exomes 0.05954 and 0.06011; gnomAD 0.06048 and 0.06149; ExAC 0.13644.
gnomAD v4.1: 94,176 of 1,568,804 alleles (6%); highest among the groups gnomAD compares: South Asian, 11%; 3,259 homozygotes.

Submissions (3):

GeneDx
Classification: Benign. Last evaluated: 2019-08-16. Review status: criteria provided, single submitter. Criteria: GeneDx Variant Classification Process June 2021. Collection method: clinical testing. Allele origin: germline. Affected: yes.

Breakthrough Genomics
Classification: Benign. Review status: criteria provided, single submitter. Criteria: ACMG Guidelines, 2015. Collection method: not provided. Allele origin: germline. Inheritance: Autosomal dominant inheritance. Affected: yes.

PreventionGenetics, part of Exact Sciences
Classification: Benign for PRR12-related condition. Last evaluated: 2019-10-29. Review status: no assertion criteria provided. Collection method: clinical testing. Allele origin: germline. Not counted in ClinVar's aggregate classification.
Comment: This variant is classified as benign based on ACMG/AMP sequence variant interpretation guidelines (Richards et al. 2015 PMID: 25741868, with internal and published modifications).

NM_020719.3(PRR12):c.2892G>A (p.Lys964=)

Gene: PRR12 (proline rich 12; plus strand). Cytogenetic location: 19q13.33.
Variant type: single nucleotide variant.
Coding change: c.2892G>A on transcript NM_020719.3 (MANE Select); coding-DNA position 2892, G replaced by A.
Protein change: p.Lys964=; no amino-acid change (lysine 964 retained).
Molecular consequence: synonymous variant.
Genome position (GRCh38, 1-based): chr19:49,597,227, G>A. VCF-style: chr19-49597227-G-A. GRCh37 (hg19) VCF-style: chr19-50100484-G-A.
Other names: c.2892G>A (NM_020719.2).
Identifiers: ClinVar variation 1282315 (VCV001282315.4), dbSNP rs77535345, ClinGen allele CA9578203.
Genomic context (GRCh38, chr19:49,597,227, plus strand): 5'-CAGCTTCTTCCCCACCATGGAGGAGATGTTCGGTGGAGGGGCCGCGGACGACTACGGCAA[G>A]GCCGGGCCACCTGAGGACGAGGGGGACCCCAAGGCTGGCGCTGGGCCACCCCCCGGCCCC-3'
Protein context (NP_065770.1, residues 954-974): FGGGAADDYG[Lys964=]AGPPEDEGDP